The following is an entry in ClinVar:

ClinVar aggregate classification (germline): Pathogenic (1 of 4 stars; one submission).

Conditions:
Autosomal recessive Alport syndrome (ATS2). Also called: COL4A4 Alport Syndrome and Thin Basement Membrane Nephropathy; ALPORT SYNDROME 2, AUTOSOMAL RECESSIVE; COL4A3-Related Nephropathy; Alport syndrome type 2. Identifiers: Orphanet 63, Orphanet 88919, MedGen C4746745, MONDO:0008762, OMIM 203780.

Submission:

Centre de Génétique Humaine, Institut de Pathologie Et de Génétique
Classification: Pathogenic for Autosomal recessive Alport syndrome. Last evaluated: 2026-04-10. Review status: criteria provided, single submitter. Criteria: ACMG Guidelines, 2015. Collection method: clinical testing. Allele origin: germline. Inheritance: Autosomal recessive inheritance. Affected: yes. Observed: 1 variant allele, 1 compound heterozygote. Segregation with disease not observed.

NM_000092.5:g.(227054639_226966783)del

Gene: COL4A4 (collagen type IV alpha 4 chain; minus strand).
Variant type: Deletion.
Identifiers: ClinVar variation 4884691 (VCV004884691.1).